The following is an entry in ClinVar:

NM_003467.3(CXCR4):c.535G>A (p.Glu179Lys)

Gene: CXCR4 (C-X-C motif chemokine receptor 4; minus strand). Cytogenetic location: 2q22.1.
Variant type: single nucleotide variant.
Coding change: c.535G>A on transcript NM_003467.3 (MANE Select); coding-DNA position 535, G replaced by A.
Protein change: p.Glu179Lys; replaces glutamic acid 179 with lysine.
Molecular consequence: missense variant.
Genome position (GRCh38, 1-based): chr2:136,115,393, C>T on the plus strand (G>A on the coding strand, the complement: CXCR4 is on the minus strand). VCF-style: chr2-136115393-C-T. GRCh37 (hg19) VCF-style: chr2-136872963-C-T.
Other names: c.547G>A, p.Glu183Lys (NM_001008540.2); c.748G>A, p.Glu250Lys (NM_001348056.2); c.634G>A, p.Glu212Lys (NM_001348059.2); c.490G>A, p.Glu164Lys (NM_001348060.2); short protein forms E164K, E179K, E183K, E212K, E250K.
Identifiers: ClinVar variation 5043402 (VCV005043402.1).

ClinVar aggregate classification (germline): Uncertain significance (1 of 4 stars; one submission).

Conditions:
WHIM syndrome 1 (WHIMS). Identifiers: Orphanet 51636, MedGen C5542296, MONDO:8000006, OMIM 193670.

gnomAD v4.1: 4 of 1,614,066 alleles (0.00025%); highest among the groups gnomAD compares: African/African-American, 0.0027%; no homozygotes.

Submission:

St. Jude Molecular Pathology, St. Jude Children's Research Hospital
Classification: Uncertain significance for WHIM syndrome 1. Last evaluated: 2026-10-01. Review status: criteria provided, single submitter. Criteria: St. Jude Assertion Criteria 2020. Collection method: clinical testing. Allele origin: germline.
Comment: The CXCR4 c.547G>A p.(Glu183Lys) missense change has a maximum subpopulation frequency of 0.01% in gnomAD v2.1.1. The in silico tool REVEL predicts a benign effect on protein function, but to our knowledge this prediction has not been confirmed by functional studies. To our knowledge, this variant has not been reported in individuals with WHIM syndrome. In summary, the evidence currently available is insufficient to determine the clinical significance of this v ariant. It has therefore been classified as of uncertain significance.